The following is an entry in ClinVar:

NM_015001.3(SPEN):c.10897G>A (p.Glu3633Lys)

Gene: SPEN (spen family transcriptional repressor; plus strand). Cytogenetic location: 1p36.13.
Variant type: single nucleotide variant.
Coding change: c.10897G>A on transcript NM_015001.3 (MANE Select); coding-DNA position 10897, G replaced by A.
Protein change: p.Glu3633Lys; replaces glutamic acid 3633 with lysine.
Molecular consequence: missense variant.
Genome position (GRCh38, 1-based): chr1:15,939,329, G>A. VCF-style: chr1-15939329-G-A. GRCh37 (hg19) VCF-style: chr1-16265824-G-A.
Other names: short protein forms E3633K.
Identifiers: ClinVar variation 4278858 (VCV004278858.1).
Genomic context (GRCh38, chr1:15,939,329, plus strand): 5'-CCACTTTGCTCTCTATCCTGTCTCCAGCCTGCCTACGTGCTGCAGATCTTCCCGCCCTGT[G>A]AGTTCTCTGAGAGTCACCTGTCCCGCCTGGCCCCTGACCTCCTTGCCAGCATCTCCAACA-3'
Protein context (NP_055816.2, residues 3623-3643): AYVLQIFPPC[Glu3633Lys]FSESHLSRLA

ClinVar aggregate classification (germline): Uncertain significance (1 of 4 stars; one submission).

gnomAD v4.1: 2 of 1,604,114 alleles (0.00012%); highest among the groups gnomAD compares: Admixed American, 0.0017%; no homozygotes.

Submission:

GeneDx
Classification: Uncertain significance. Last evaluated: 2025-04-02. Review status: criteria provided, single submitter. Criteria: GeneDx Variant Classification Process June 2021. Collection method: clinical testing. Allele origin: germline. Affected: yes.
Comment: Not observed at significant frequency in large population cohorts (gnomAD); In silico analysis supports that this missense variant has a deleterious effect on protein structure/function; Has not been previously published as pathogenic or benign to our knowledge